The following is an entry in ClinVar:

ClinVar aggregate classification (germline): Pathogenic (1 of 4 stars; one submission).

Submission:

GeneDx
Classification: Pathogenic. Last evaluated: 2023-09-28. Review status: criteria provided, single submitter. Criteria: GeneDx Variant Classification Process June 2021. Collection method: clinical testing. Allele origin: germline. Affected: yes.
Comment: Frameshift variant predicted to result in protein truncation or nonsense mediated decay in a gene for which loss of function is a known mechanism of disease; Not observed at significant frequency in large population cohorts (gnomAD); This variant is associated with the following publications: (PMID: 9452088)

NM_001368894.2(PAX6):c.358_368delinsCCCCCCGTT (p.Leu120fs)

Gene: PAX6 (paired box 6; minus strand). Cytogenetic location: 11p13.
Variant type: Indel.
Coding change: c.358_368delinsCCCCCCGTT on transcript NM_001368894.2 (MANE Select); coding-DNA positions 358 to 368, TTACTGTCCGA replaced by CCCCCCGTT.
Protein change: p.Leu120fs; shifts the reading frame from leucine 120.
Molecular consequence: frameshift variant. On other transcripts: 5 prime UTR variant (14), non-coding transcript variant (2), intron variant (8).
Genome position (GRCh38, 1-based): chr11:31,801,592-31,801,602, TCGGACAGTAA replaced by AACGGGGGG on the plus strand (TTACTGTCCGA replaced by CCCCCCGTT on the coding strand, the reverse complement: PAX6 is on the minus strand). VCF-style: chr11-31801592-TCGGACAGTAA-AACGGGGGG. GRCh37 (hg19) VCF-style: chr11-31823140-TCGGACAGTAA-AACGGGGGG.
Other names: c.316_326delTTACTGTCCGAinsCCCCCCGTT, p.Leu106Profs (NM_000280.3); c.316_326delinsCCCCCCGTT, p.Leu106fs (NM_000280.6, NM_001127612.3, NM_001258464.2 and 10 more transcripts); c.358_368delinsCCCCCCGTT, p.Leu120fs (NM_001258462.3, NM_001258463.2, NM_001310158.2 and 6 more transcripts); c.-424_-414delinsCCCCCCGTT (NM_001310160.2, NM_001368902.2, NM_001368905.2); c.-93_-83delinsCCCCCCGTT (NM_001310161.3, NM_001368899.2, NM_001368900.2 and 8 more transcripts); c.559_569delinsCCCCCCGTT, p.Leu187fs (NM_001368910.2); c.361_371delinsCCCCCCGTT, p.Leu121fs (NM_001368911.2); c.433_443delinsCCCCCCGTT, p.Leu145fs (NM_001368918.2, NM_001368919.2); and 3 more; short protein forms L106fs, L120fs, L121fs, L131fs, L145fs, L187fs.
Identifiers: ClinVar variation 3340401 (VCV003340401.1).